The following is an entry in ClinVar:

ClinVar aggregate classification (germline): Benign/Likely benign. Review status: criteria provided, multiple submitters, no conflicts (2 of 4 stars). 3 submissions from 3 submitters: Benign (1); Likely benign (2). Last evaluated 2025-09-25.

Conditions:
Hereditary cancer-predisposing syndrome. Also called: Neoplastic Syndromes, Hereditary; Hereditary neoplastic syndrome; Hereditary Cancer Syndrome; Tumor predisposition. Identifiers: Orphanet 140162, MedGen C0027672, MeSH D009386, MONDO:0015356.
Tuberous sclerosis 2 (TSC2). Identifiers: Orphanet 805, MedGen C1860707, MONDO:0013199, OMIM 613254.

Allele frequency attached by ClinVar (database versions not stated): gnomAD exomes below 0.00001; ExAC 0.00001.
gnomAD v4.1: 2 of 1,613,914 alleles (0.00012%); highest among the groups gnomAD compares: South Asian, 0.0022%; no homozygotes.

Submissions (3):

Ambry Genetics
Classification: Likely benign for Hereditary cancer-predisposing syndrome. Last evaluated: 2025-09-25. Review status: criteria provided, single submitter. Criteria: Ambry Variant Classification Scheme 2023. Collection method: clinical testing. Allele origin: germline.

Myriad Genetics, Inc.
Classification: Benign for Tuberous sclerosis 2. Last evaluated: 2025-05-21. Review status: criteria provided, single submitter. Criteria: Myriad Autosomal Dominant, Autosomal Recessive and X-Linked Classification Criteria (2023). Collection method: clinical testing. Allele origin: unknown.
Comment: This variant is considered benign. This variant is a silent/synonymous amino acid change and it is not expected to impact splicing.

Labcorp Genetics (formerly Invitae), Labcorp
Classification: Likely benign for Tuberous sclerosis 2. Last evaluated: 2025-02-20. Review status: criteria provided, single submitter. Criteria: Invitae Variant Classification Sherloc (09022015). Collection method: clinical testing. Allele origin: germline.

NM_000548.5(TSC2):c.2704C>T (p.Leu902=)

Gene: TSC2 (TSC complex subunit 2; plus strand). Cytogenetic location: 16p13.3.
Variant type: single nucleotide variant.
Coding change: c.2704C>T on transcript NM_000548.5 (MANE Select); coding-DNA position 2704, C replaced by T.
Protein change: p.Leu902=; no amino-acid change (leucine 902 retained).
Molecular consequence: synonymous variant.
Genome position (GRCh38, 1-based): chr16:2,076,132, C>T. VCF-style: chr16-2076132-C-T. GRCh37 (hg19) VCF-style: chr16-2126133-C-T.
Other names: c.2704C>T (NM_000548.3); c.2704C>T, p.Leu902= (NM_001077183.3, NM_001114382.3, NM_001363528.2 and 3 more transcripts); c.2593C>T, p.Leu865= (NM_001318827.2); c.2557C>T, p.Leu853= (NM_001318829.2); c.2104C>T, p.Leu702= (NM_001318831.2); c.2737C>T, p.Leu913= (NM_001318832.2).
Identifiers: ClinVar variation 1583162 (VCV001583162.13), dbSNP rs756696525, ClinGen allele CA040975.
Genomic context (GRCh38, chr16:2,076,132, plus strand): 5'-AATCAGTACATCGTGTGTCTGGCCCATCACGTCATAGCCATGTGGTTCATCAGGTGCCGC[C>T]TGCCCTTCCGGAAGGATTTTGTCCCTTTCATCACTAAGGTGGGCTCAGGGCCGGTGAAGG-3'
Protein context (NP_000539.2, residues 892-912): VIAMWFIRCR[Leu902=]PFRKDFVPFI